The following is an entry in ClinVar:

NM_001197104.2(KMT2A):c.7299A>G (p.Lys2433=)

Gene: KMT2A (lysine methyltransferase 2A; plus strand). Cytogenetic location: 11q23.3.
Variant type: single nucleotide variant.
Coding change: c.7299A>G on transcript NM_001197104.2 (MANE Select); coding-DNA position 7299, A replaced by G.
Protein change: p.Lys2433=; no amino-acid change (lysine 2433 retained).
Molecular consequence: synonymous variant.
Genome position (GRCh38, 1-based): chr11:118,503,191, A>G. VCF-style: chr11-118503191-A-G. GRCh37 (hg19) VCF-style: chr11-118373906-A-G.
Other names: c.7290A>G, p.Lys2430= (NM_005933.4).
Identifiers: ClinVar variation 716588 (VCV000716588.13), dbSNP rs373625999, ClinGen allele CA6304382.

ClinVar aggregate classification (germline): Benign/Likely benign. Review status: criteria provided, multiple submitters, no conflicts (2 of 4 stars). 3 submissions from 3 submitters: Benign (1); Likely benign (1). 1 of the submissions does not count toward it. Last evaluated 2025-12-09.

Conditions:
KMT2A-related disorder. Also called: KMT2A-related condition.

Allele frequency attached by ClinVar (database versions not stated): gnomAD 0.00001; gnomAD exomes 0.00001 and 0.00003; ExAC 0.00002; TOPMed 0.00003.
gnomAD v4.1: 58 of 1,614,010 alleles (0.0036%); highest among the groups gnomAD compares: East Asian, 0.018%; no homozygotes.

Submissions (3):

Labcorp Genetics (formerly Invitae), Labcorp
Classification: Likely benign. Last evaluated: 2025-12-09. Review status: criteria provided, single submitter. Criteria: Invitae Variant Classification Sherloc (09022015). Collection method: clinical testing. Allele origin: germline.

Blueprint Genetics
Classification: Benign. Last evaluated: 2024-11-27. Review status: criteria provided, single submitter. Criteria: ACMG Guidelines, 2015. Collection method: clinical testing. Allele origin: germline.

PreventionGenetics, part of Exact Sciences
Classification: Likely benign for KMT2A-related condition. Last evaluated: 2019-03-26. Review status: no assertion criteria provided. Collection method: clinical testing. Allele origin: germline. Not counted in ClinVar's aggregate classification.
Comment: This variant is classified as likely benign based on ACMG/AMP sequence variant interpretation guidelines (Richards et al. 2015 PMID: 25741868, with internal and published modifications).